The following is an entry in ClinVar:

ClinVar aggregate classification (germline): Conflicting classifications of pathogenicity. Review status: criteria provided, conflicting classifications (1 of 4 stars). 2 submissions from 2 submitters: Pathogenic (1); Uncertain significance (1). Last evaluated 2023-10-17.

Conditions:
Inborn genetic diseases. Identifiers: MedGen C0950123, MeSH D030342.

Allele frequency attached by ClinVar (database versions not stated): gnomAD exomes below 0.00001.
gnomAD v4.1: 1 of 1,613,706 alleles (0.000062%); highest among the groups gnomAD compares: Non-Finnish European, 0.000085%; no homozygotes.

Submissions (2):

GeneDx
Classification: Pathogenic. Last evaluated: 2023-10-17. Review status: criteria provided, single submitter. Criteria: GeneDx Variant Classification Process June 2021. Collection method: clinical testing. Allele origin: germline. Affected: yes.
Comment: Canonical splice site variant predicted to result in a null allele in a gene for which loss of function is a known mechanism of disease (PMID: 23354436); Not observed at significant frequency in large population cohorts (gnomAD); This variant is associated with the following publications: (PMID: 33904513, 23354436)

Ambry Genetics
Classification: Uncertain significance for Inborn genetic diseases. Last evaluated: 2021-06-29. Review status: criteria provided, single submitter. Criteria: Ambry Variant Classification Scheme 2023. Collection method: clinical testing. Allele origin: germline.
Comment: This region of the TCF12 gene is excluded from other biologically relevant TCF12 transcripts. Based on insufficient or conflicting evidence, the clinical significance of this alteration remains unclear.

NM_207037.2(TCF12):c.526+1G>A

Gene: TCF12 (transcription factor 12; plus strand). Cytogenetic location: 15q21.3.
Variant type: single nucleotide variant.
Coding change: c.526+1G>A on transcript NM_207037.2 (MANE Select); the canonical splice donor site of the intron after coding-DNA position 526, G replaced by A.
Molecular consequence: splice donor variant.
Genome position (GRCh38, 1-based): chr15:57,192,294, G>A. VCF-style: chr15-57192294-G-A. GRCh37 (hg19) VCF-style: chr15-57484492-G-A.
Other names: c.526+1G>A (NM_001322151.2, NM_001322159.3, NM_001322157.3 and 7 more transcripts); c.352+1G>A (NM_001322156.2, NM_001322158.2); c.-132+1G>A (NM_001322154.2); c.562+1G>A (NM_001322164.2).
Identifiers: ClinVar variation 2230991 (VCV002230991.3), dbSNP rs2551314154, ClinGen allele CA392581369.